The following is an entry in ClinVar:

NM_001127222.2(CACNA1A):c.4471G>T (p.Val1491Phe)

Gene: CACNA1A (calcium voltage-gated channel subunit alpha1 A; minus strand). Cytogenetic location: 19p13.13.
Variant type: single nucleotide variant.
Coding change: c.4471G>T on transcript NM_001127222.2 (MANE Select); coding-DNA position 4471, G replaced by T.
Protein change: p.Val1491Phe; replaces valine 1491 with phenylalanine.
Molecular consequence: missense variant.
Genome position (GRCh38, 1-based): chr19:13,257,469, C>A on the plus strand (G>T on the coding strand, the complement: CACNA1A is on the minus strand). VCF-style: chr19-13257469-C-A. GRCh37 (hg19) VCF-style: chr19-13368283-C-A.
Other names: c.4483G>T, p.Val1495Phe (NM_000068.4, NM_023035.3); c.4474G>T, p.Val1492Phe (NM_001127221.2, NM_001174080.2); short protein forms V1491F, V1492F, V1495F.
Identifiers: ClinVar variation 1328155 (VCV001328155.4), dbSNP rs1211294190, ClinGen allele CA404338989.
Genomic context (GRCh38, chr19:13,257,469, plus strand): 5'-TGATGATCAAGGCCACAAAGATATTGACAAAGAAGAAGGGGAACACCACAAAGTAGACGA[C>A]GTAGAAAATGGACATCTCCATGCGGTACCCGGGGCTGGGGCCCTGGTTCTCAAAGGTGGC-3'
Protein context (NP_001120694.1, residues 1481-1501): GYRMEMSIFY[Val1491Phe]VYFVVFPFFF

ClinVar aggregate classification (germline): Uncertain significance (1 of 4 stars; one submission).

Conditions:
CACNA1A-related disorder. Also called: CACNA1A-related condition.

Submission:

Illumina Laboratory Services, Illumina
Classification: Uncertain significance for CACNA1A-related disorders. Last evaluated: 2021-07-30. Review status: criteria provided, single submitter. Criteria: ICSLVariantClassificationCriteria RUGD 01 April 2020. Collection method: clinical testing. Allele origin: unknown.
Comment: The CACNA1A c.4471G>T (p.Val1491Phe) variant, also referred to as p.Val1492Phe or p.Val1495Phe based on other transcript isoforms, is a missense variant. A literature search was performed for the gene, cDNA change, and amino acid change. No publications were found based on this search. This variant is not found in the Genome Aggregation Database (version 2.1.1 and version 3.1.1) in a region of good sequence coverage, so the variant is presumed to be rare. Multiple in silico prediction tools suggest that this variant has a deleterious impact on the protein; however, no experimental evidence is available. This variant is located in the S6 transmembrane pore region of domain III in which multiple pathogenic variants have been reported (Guida et al. 2001; Riant et al. 2010; Bahamonde et al. 2015). Based on the collective evidence, the p.Val1491Phe variant is classified as a variant of uncertain significance for CACNA1A-related disorders.

Literature cited by the submitters: PubMed 11179022; PubMed 20837964; PubMed 26716990.